The following is an entry in ClinVar:

NM_004036.5(ADCY3):c.746G>A (p.Arg249His)

Gene: ADCY3 (adenylate cyclase 3; minus strand). Cytogenetic location: 2p23.3.
Variant type: single nucleotide variant.
Coding change: c.746G>A on transcript NM_004036.5 (MANE Select); coding-DNA position 746, G replaced by A.
Protein change: p.Arg249His; replaces arginine 249 with histidine.
Molecular consequence: missense variant.
Genome position (GRCh38, 1-based): chr2:24,872,649, C>T on the plus strand (G>A on the coding strand, the complement: ADCY3 is on the minus strand). VCF-style: chr2-24872649-C-T. GRCh37 (hg19) VCF-style: chr2-25095518-C-T.
Other names: c.746G>A, p.Arg249His (NM_001320613.2, NM_001377128.1, NM_001377129.1 and 2 more transcripts); c.23G>A, p.Arg8His (NM_001377131.1); short protein forms R249H, R8H.
Identifiers: ClinVar variation 2629870 (VCV002629870.2), dbSNP rs149726253, ClinGen allele CA346069920.
Genomic context (GRCh38, chr2:24,872,649, plus strand): 5'-TCCAGGTTCATCTTCACCTCCAGCGACTGGCGGGCCTCCAGGAAGGCCTTGCGGTGCTTG[C>T]GGTCAGCCATGTAGTAGGACATGATGCCCACAGCGATGGCGCACAGGTAGAGGAAGACGT-3'
Protein context (NP_004027.2, residues 239-259): VGIMSYYMAD[Arg249His]KHRKAFLEAR

ClinVar aggregate classification (germline): Uncertain significance (0 of 4 stars; one submission).

Conditions:
ADCY3-related disorder. Also called: ADCY3-related condition.

gnomAD v4.1: 5 of 1,614,080 alleles (0.00031%); highest among the groups gnomAD compares: East Asian, 0.0022%; no homozygotes.

Submission:

PreventionGenetics, part of Exact Sciences
Classification: Uncertain significance for ADCY3-related condition. Last evaluated: 2024-03-13. Review status: no assertion criteria provided. Collection method: clinical testing. Allele origin: germline.
Comment: The ADCY3 c.746G>A variant is predicted to result in the amino acid substitution p.Arg249His. To our knowledge, this variant has not been reported in the literature. This variant is reported in 0.0062% of alleles in individuals of African descent in gnomAD. At this time, the clinical significance of this variant is uncertain due to the absence of conclusive functional and genetic evidence.